The following is an entry in ClinVar:

ClinVar aggregate classification (germline): Uncertain significance (1 of 4 stars; one submission).

Submission:

GeneDx
Classification: Uncertain significance. Last evaluated: 2025-12-11. Review status: criteria provided, single submitter. Criteria: GeneDx Variant Classification Process June 2021. Collection method: clinical testing. Allele origin: germline. Affected: yes.
Comment: In silico analysis supports that this missense variant has a deleterious effect on protein structure/function; Not observed at significant frequency in large population cohorts (gnomAD); Has not been previously published as pathogenic or benign to our knowledge

NM_014370.4(SRPK3):c.1442T>C (p.Ile481Thr)

Gene: SRPK3 (SRSF protein kinase 3; plus strand). Cytogenetic location: Xq28.
Variant type: single nucleotide variant.
Coding change: c.1442T>C on transcript NM_014370.4 (MANE Select); coding-DNA position 1442, T replaced by C.
Protein change: p.Ile481Thr; replaces isoleucine 481 with threonine.
Molecular consequence: missense variant.
Genome position (GRCh38, 1-based): chrX:153,785,096, T>C. VCF-style: chrX-153785096-T-C. GRCh37 (hg19) VCF-style: chrX-153050551-T-C.
Other names: c.1439T>C, p.Ile480Thr (NM_001170760.2); c.1340T>C, p.Ile447Thr (NM_001170761.2); short protein forms I447T, I480T, I481T.
Identifiers: ClinVar variation 3600644 (VCV003600644.2).